The following is an entry in ClinVar:

NM_022455.5(NSD1):c.1716C>T (p.Ser572=)

Gene: NSD1 (nuclear receptor binding SET domain protein 1; plus strand). Cytogenetic location: 5q35.3.
Variant type: single nucleotide variant.
Coding change: c.1716C>T on transcript NM_022455.5 (MANE Select); coding-DNA position 1716, C replaced by T.
Protein change: p.Ser572=; no amino-acid change (serine 572 retained).
Molecular consequence: synonymous variant.
Genome position (GRCh38, 1-based): chr5:177,210,115, C>T. VCF-style: chr5-177210115-C-T. GRCh37 (hg19) VCF-style: chr5-176637116-C-T.
Other names: c.843C>T, p.Ser281= (NM_001365684.2, NM_001409306.1, NM_001409307.1 and 3 more transcripts); c.1716C>T, p.Ser572= (NM_001409301.1, NM_001409302.1, NM_001409303.1); c.1296C>T, p.Ser432= (NM_001409304.1); c.963C>T, p.Ser321= (NM_001409305.1).
Identifiers: ClinVar variation 699128 (VCV000699128.36), dbSNP rs375093905, ClinGen allele CA3577136.

ClinVar aggregate classification (germline): Likely benign. Review status: criteria provided, multiple submitters, no conflicts (2 of 4 stars). 4 submissions from 4 submitters: Likely benign (3). 1 of the submissions does not count toward it. Last evaluated 2025-12-08.

Conditions:
NSD1-related disorder. Also called: NSD1-related condition.

Allele frequency attached by ClinVar (database versions not stated): ExAC 0.00001; gnomAD 0.00001; gnomAD exomes 0.00002 and 0.00012; TOPMed 0.00003; ESP Exome Variant Server 0.00008.
gnomAD v4.1: 168 of 1,613,268 alleles (0.01%); highest among the groups gnomAD compares: Non-Finnish European, 0.014%; no homozygotes.

Submissions (4):

Labcorp Genetics (formerly Invitae), Labcorp
Classification: Likely benign. Last evaluated: 2025-12-08. Review status: criteria provided, single submitter. Criteria: Invitae Variant Classification Sherloc (09022015). Collection method: clinical testing. Allele origin: germline.

Blueprint Genetics
Classification: Likely benign. Last evaluated: 2023-11-15. Review status: criteria provided, single submitter. Criteria: ACMG Guidelines, 2015. Collection method: clinical testing. Allele origin: germline.

CeGaT Center for Human Genetics Tuebingen
Classification: Likely benign. Last evaluated: 2023-08-01. Review status: criteria provided, single submitter. Criteria: CeGaT Center For Human Genetics Tuebingen Variant Classification Criteria Version 2. Collection method: clinical testing. Allele origin: germline. Affected: yes. Observed: 1 variant allele.
Comment: NSD1: BP4, BP7

PreventionGenetics, part of Exact Sciences
Classification: Likely benign for NSD1-related condition. Last evaluated: 2019-03-01. Review status: no assertion criteria provided. Collection method: clinical testing. Allele origin: germline. Not counted in ClinVar's aggregate classification.
Comment: This variant is classified as likely benign based on ACMG/AMP sequence variant interpretation guidelines (Richards et al. 2015 PMID: 25741868, with internal and published modifications).